The following is an entry in ClinVar:

NM_014634.4(PPM1F):c.307G>A (p.Glu103Lys)

Genes: PPM1F (protein phosphatase, Mg2+/Mn2+ dependent 1F; minus strand), PPM1F-AS1 (PPM1F antisense RNA 1; plus strand). Cytogenetic location: 22q11.22.
Variant type: single nucleotide variant.
Coding change: c.307G>A on transcript NM_014634.4 (MANE Select); coding-DNA position 307, G replaced by A.
Protein change: p.Glu103Lys; replaces glutamic acid 103 with lysine.
Molecular consequence: missense variant. On other transcripts: non-coding transcript variant (1), 5 prime UTR variant (1).
Genome position (GRCh38, 1-based): chr22:21,939,580, C>T on the plus strand (G>A on the coding strand, the complement: PPM1F is on the minus strand). VCF-style: chr22-21939580-C-T. GRCh37 (hg19) VCF-style: chr22-22293952-C-T.
Other names: c.-198G>A (NM_001410836.1); short protein forms E103K.
Identifiers: ClinVar variation 3217336 (VCV003217336.3), dbSNP rs370601228, ClinGen allele CA322342098.

ClinVar aggregate classification (germline): Uncertain significance. Review status: criteria provided, multiple submitters, no conflicts (2 of 4 stars). 2 submissions from 2 submitters: Uncertain significance (2). Last evaluated 2024-09-27.

Allele frequency attached by ClinVar (database versions not stated): gnomAD exomes below 0.00001; TOPMed 0.00001.
gnomAD v4.1: 4 of 1,574,272 alleles (0.00025%); highest among the groups gnomAD compares: Non-Finnish European, 0.000086%; no homozygotes.

Submissions (2):

Labcorp Genetics (formerly Invitae), Labcorp
Classification: Uncertain significance. Last evaluated: 2024-09-27. Review status: criteria provided, single submitter. Criteria: Invitae Variant Classification Sherloc (09022015). Collection method: clinical testing. Allele origin: germline.
Comment: This sequence change replaces glutamic acid, which is acidic and polar, with lysine, which is basic and polar, at codon 103 of the PPM1F protein (p.Glu103Lys). This variant is not present in population databases (gnomAD no frequency). This variant has not been reported in the literature in individuals affected with PPM1F-related conditions. An algorithm developed to predict the effect of missense changes on protein structure and function (PolyPhen-2) suggests that this variant is likely to be tolerated. In summary, the available evidence is currently insufficient to determine the role of this variant in disease. Therefore, it has been classified as a Variant of Uncertain Significance.

Ambry Genetics
Classification: Uncertain significance. Last evaluated: 2023-12-14. Review status: criteria provided, single submitter. Criteria: Ambry Variant Classification Scheme 2023. Collection method: clinical testing. Allele origin: germline.